The following is an entry in ClinVar:

NM_004655.4(AXIN2):c.628A>C (p.Met210Leu)

Gene: AXIN2 (axin 2; minus strand). Cytogenetic location: 17q24.1.
Variant type: single nucleotide variant.
Coding change: c.628A>C on transcript NM_004655.4 (MANE Select); coding-DNA position 628, A replaced by C.
Protein change: p.Met210Leu; replaces methionine 210 with leucine.
Molecular consequence: missense variant.
Genome position (GRCh38, 1-based): chr17:65,557,993, T>G on the plus strand (A>C on the coding strand, the complement: AXIN2 is on the minus strand). VCF-style: chr17-65557993-T-G. GRCh37 (hg19) VCF-style: chr17-63554111-T-G.
Other names: c.628A>C, p.Met210Leu (NM_001363813.1); short protein forms M210L.
Identifiers: ClinVar variation 2447025 (VCV002447025.2), dbSNP rs2144583835, ClinGen allele CA400680616.

ClinVar aggregate classification (germline): Uncertain significance (1 of 4 stars; one submission).

Conditions:
Hereditary cancer-predisposing syndrome. Also called: Neoplastic Syndromes, Hereditary; Hereditary Cancer Syndrome; Tumor predisposition; Hereditary neoplastic syndrome. Identifiers: Orphanet 140162, MedGen C0027672, MeSH D009386, MONDO:0015356.

Submission:

Ambry Genetics
Classification: Uncertain significance for Hereditary cancer-predisposing syndrome. Last evaluated: 2023-01-05. Review status: criteria provided, single submitter. Criteria: Ambry Variant Classification Scheme 2023. Collection method: clinical testing. Allele origin: germline.
Comment: The p.M210L variant (also known as c.628A>C), located in coding exon 1 of the AXIN2 gene, results from an A to C substitution at nucleotide position 628. The methionine at codon 210 is replaced by leucine, an amino acid with highly similar properties. This amino acid position is conserved. In addition, this alteration is predicted to be tolerated by in silico analysis. Since supporting evidence is limited at this time, the clinical significance of this alteration remains unclear.